The following is an entry in ClinVar:

ClinVar aggregate classification (germline): Uncertain significance. Review status: criteria provided, multiple submitters, no conflicts (2 of 4 stars). 3 submissions from 3 submitters: Uncertain significance (3). Last evaluated 2026-03-26.

Conditions:
Inborn genetic diseases. Identifiers: MedGen C0950123, MeSH D030342.
Progressive microcephaly-seizures-cortical blindness-developmental delay syndrome. Also called: Seizures, cortical blindness, and microcephaly syndrome. Identifiers: Orphanet 477814, MedGen C5567650, MONDO:0014714, OMIM 616632.
Autosomal dominant nonsyndromic hearing loss 1. Also called: DEAFNESS, AUTOSOMAL DOMINANT 1, WITH OR WITHOUT THROMBOCYTOPENIA; KONIGSMARK SYNDROME. Identifiers: Orphanet 90635, MedGen C1852282, MONDO:0007424, OMIM 124900.

Allele frequency attached by ClinVar (database versions not stated): ExAC 0.00002; gnomAD 0.00003.
gnomAD v4.1: 25 of 1,613,564 alleles (0.0015%); highest among the groups gnomAD compares: Non-Finnish European, 0.002%; no homozygotes.

Submissions (3):

Ambry Genetics
Classification: Uncertain significance for Inborn genetic diseases. Last evaluated: 2026-03-26. Review status: criteria provided, single submitter. Criteria: Ambry Variant Classification Scheme 2023. Collection method: clinical testing. Allele origin: germline.

Labcorp Genetics (formerly Invitae), Labcorp
Classification: Uncertain significance for Progressive microcephaly-seizures-cortical blindness-developmental delay syndrome; Autosomal dominant nonsyndromic hearing loss 1. Last evaluated: 2025-09-08. Review status: criteria provided, single submitter. Criteria: Invitae Variant Classification Sherloc (09022015). Collection method: clinical testing. Allele origin: germline.
Comment: This sequence change replaces arginine, which is basic and polar, with serine, which is neutral and polar, at codon 340 of the DIAPH1 protein (p.Arg340Ser). This variant is present in population databases (rs754730261, gnomAD 0.004%). This variant has not been reported in the literature in individuals affected with DIAPH1-related conditions. ClinVar contains an entry for this variant (Variation ID: 1411424). Experimental studies and prediction algorithms are not available or were not evaluated, and the functional significance of this variant is currently unknown. In summary, the available evidence is currently insufficient to determine the role of this variant in disease. Therefore, it has been classified as a Variant of Uncertain Significance.

Department of Pathology and Laboratory Medicine, Sinai Health System
Classification: Uncertain significance for progressive microcephaly-seizures-cortical blindness-developmental delay syndrome. Last evaluated: 2020-06-24. Review status: criteria provided, single submitter. Criteria: ACMG Guidelines, 2015. Collection method: research. Allele origin: germline.

NM_005219.5(DIAPH1):c.1018C>A (p.Arg340Ser)

Gene: DIAPH1 (diaphanous related formin 1; minus strand). Cytogenetic location: 5q31.3.
Variant type: single nucleotide variant.
Coding change: c.1018C>A on transcript NM_005219.5 (MANE Select); coding-DNA position 1018, C replaced by A.
Protein change: p.Arg340Ser; replaces arginine 340 with serine.
Molecular consequence: missense variant.
Genome position (GRCh38, 1-based): chr5:141,578,541, G>T on the plus strand (C>A on the coding strand, the complement: DIAPH1 is on the minus strand). VCF-style: chr5-141578541-G-T. GRCh37 (hg19) VCF-style: chr5-140958108-G-T.
Other names: c.991C>A, p.Arg331Ser (NM_001079812.3); c.1018C>A, p.Arg340Ser (NM_001314007.2); c.1018C>A (NM_005219.4); short protein forms R331S, R340S.
Identifiers: ClinVar variation 1411424 (VCV001411424.9), dbSNP rs754730261, ClinGen allele CA3479414.